The following is an entry in ClinVar:

NM_000038.6(APC):c.6574A>T (p.Lys2192Ter)

Gene: APC (APC regulator of Wnt signaling pathway; plus strand). Cytogenetic location: 5q22.2.
Variant type: single nucleotide variant.
Coding change: c.6574A>T on transcript NM_000038.6 (MANE Select); coding-DNA position 6574, A replaced by T.
Protein change: p.Lys2192Ter; replaces lysine 2192 with a stop codon.
Molecular consequence: nonsense. On other transcripts: non-coding transcript variant (2).
Genome position (GRCh38, 1-based): chr5:112,842,168, A>T. VCF-style: chr5-112842168-A-T. GRCh37 (hg19) VCF-style: chr5-112177865-A-T.
Other names: c.6574A>T, p.Lys2192Ter (NM_001127510.3, NM_001354895.2, NM_001407450.1); c.6520A>T, p.Lys2174Ter (NM_001127511.3); c.6628A>T, p.Lys2210Ter (NM_001354896.2, NM_001407447.1, NM_001407448.1 and 1 more transcripts); c.6604A>T, p.Lys2202Ter (NM_001354897.2); c.6499A>T, p.Lys2167Ter (NM_001354898.2); c.6490A>T, p.Lys2164Ter (NM_001354899.2); c.6451A>T, p.Lys2151Ter (NM_001354900.2); c.6397A>T, p.Lys2133Ter (NM_001354901.2, NM_001407453.1); and 11 more; short protein forms K1808*, K1909*, K2032*, K2063*, K2066*, K2091*, K2101*, K2109*.
Identifiers: ClinVar variation 2584114 (VCV002584114.3), dbSNP rs756512551, ClinGen allele CA16035713.

ClinVar aggregate classification (germline): Pathogenic. Review status: criteria provided, multiple submitters, no conflicts (2 of 4 stars). 2 submissions from 2 submitters: Pathogenic (2). Last evaluated 2025-06-23.

Conditions:
Familial adenomatous polyposis 1 (FAP1). Also called: FAMILIAL ADENOMATOUS POLYPOSIS 1, ATTENUATED; POLYPOSIS, ADENOMATOUS INTESTINAL. Identifiers: MedGen C2713442, MONDO:0021056, OMIM 175100. Disease mechanism: loss of function.

Submissions (2):

Institute of Immunology and Genetics Kaiserslautern
Classification: Pathogenic for Familial adenomatous polyposis 1. Last evaluated: 2025-06-23. Review status: criteria provided, single submitter. Criteria: ACMG Guidelines, 2015. Collection method: clinical testing. Allele origin: paternal.
Comment: ACMG Criteria: PVS1, PM2, PP5; Variant was found in heterozygous state.

Myriad Genetics, Inc.
Classification: Pathogenic for Familial adenomatous polyposis 1. Last evaluated: 2023-05-15. Review status: criteria provided, single submitter. Criteria: Myriad Autosomal Dominant, Autosomal Recessive and X-Linked Classification Criteria (2023). Collection method: clinical testing. Allele origin: unknown.
Comment: This variant is considered pathogenic. This variant creates a termination codon and is predicted to result in premature protein truncation.